The following is an entry in ClinVar:

NM_002485.5(NBN):c.1727T>G (p.Ile576Ser)

Gene: NBN (nibrin; minus strand). Cytogenetic location: 8q21.3.
Variant type: single nucleotide variant.
Coding change: c.1727T>G on transcript NM_002485.5 (MANE Select); coding-DNA position 1727, T replaced by G.
Protein change: p.Ile576Ser; replaces isoleucine 576 with serine.
Molecular consequence: missense variant.
Genome position (GRCh38, 1-based): chr8:89,953,362, A>C on the plus strand (T>G on the coding strand, the complement: NBN is on the minus strand). VCF-style: chr8-89953362-A-C. GRCh37 (hg19) VCF-style: chr8-90965590-A-C.
Other names: c.1481T>G, p.Ile494Ser (NM_001024688.3); short protein forms I494S, I576S.
Identifiers: ClinVar variation 1493686 (VCV001493686.5), dbSNP rs1255733657, ClinGen allele CA371655227.

ClinVar aggregate classification (germline): Uncertain significance (1 of 4 stars; one submission).

Conditions:
Microcephaly, normal intelligence and immunodeficiency (NBS). Also called: BERLIN BREAKAGE SYNDROME; Nijmegen breakage syndrome; Microcephaly with normal intelligence immunodeficiency and lymphoreticular malignancies; Nonsyndromal microcephaly autosomal recessive with normal intelligence; Seemanova syndrome 2; IMMUNODEFICIENCY, MICROCEPHALY, AND CHROMOSOMAL INSTABILITY. Identifiers: Orphanet 647, MedGen C0398791, MONDO:0009623, OMIM 251260.

Submission:

Labcorp Genetics (formerly Invitae), Labcorp
Classification: Uncertain significance for Microcephaly, normal intelligence and immunodeficiency. Last evaluated: 2021-09-02. Review status: criteria provided, single submitter. Criteria: Invitae Variant Classification Sherloc (09022015). Collection method: clinical testing. Allele origin: germline.
Comment: This sequence change replaces isoleucine with serine at codon 576 of the NBN protein (p.Ile576Ser). The isoleucine residue is weakly conserved and there is a large physicochemical difference between isoleucine and serine. This variant is not present in population databases (ExAC no frequency). This variant has not been reported in the literature in individuals affected with NBN-related conditions. Algorithms developed to predict the effect of missense changes on protein structure and function output the following: SIFT: "Tolerated"; PolyPhen-2: "Benign"; Align-GVGD: "Class C0". The serine amino acid residue is found in multiple mammalian species, which suggests that this missense change does not adversely affect protein function. In summary, the available evidence is currently insufficient to determine the role of this variant in disease. Therefore, it has been classified as a Variant of Uncertain Significance.